The following is an entry in ClinVar:

ClinVar aggregate classification (germline): Pathogenic. Review status: criteria provided, multiple submitters, no conflicts (2 of 4 stars). 2 submissions from 2 submitters: Pathogenic (2). Last evaluated 2025-07-14.

Conditions:
Inborn genetic diseases. Identifiers: MedGen C0950123, MeSH D030342.
Neurodevelopmental disorder with hypotonia and speech delay, with or without seizures (NEDHSS). Identifiers: MedGen C5830654, MONDO:0957541, OMIM 620455.

Submissions (2):

Undiagnosed Diseases Network, NIH
Classification: Pathogenic for Neurodevelopmental disorder with hypotonia and speech delay, with or without seizures. Last evaluated: 2025-07-14. Review status: criteria provided, single submitter. Criteria: ACMG Guidelines, 2015. Collection method: clinical testing. Allele origin: de novo. Affected: yes. Observed: 1 variant allele, 1 heterozygote. Study: Undiagnosed Diseases Network (NIH), UDN.
Comment: The variant is absent in gnomAD (v4.1.0), has high CADD (= 33) and AlphaMissense (= 0.99) scores. The gene a clinical gene associated with "Neurodevelopmental disorder with hypotonia and speech delay, with or without seizures", which matches our patient's phenotype.

Ambry Genetics
Classification: Pathogenic for Inborn genetic diseases. Last evaluated: 2024-09-07. Review status: criteria provided, single submitter. Criteria: Ambry Variant Classification Scheme 2023. Collection method: clinical testing. Allele origin: germline.
Comment: The c.1084G>A (p.G362S) alteration is located in exon 11 (coding exon 11) of the EIF4A2 gene. This alteration results from a G to A substitution at nucleotide position 1084, causing the glycine (G) at amino acid position 362 to be replaced by a serine (S). This variant was not reported in population-based cohorts in the Genome Aggregation Database (gnomAD). This variant has been determined to be the result of a de novo mutation in one individual with severe global developmental delay, seizures, hypertonia in extremities, dysmotility, dysphagia, and dysmorphic features (Paul, 2023). This amino acid position is highly conserved in available vertebrate species. This alteration is predicted to be deleterious by in silico analysis. Based on the available evidence, this alteration is classified as pathogenic.

Literature cited by the submitters: PubMed 36528028 (cited by Undiagnosed Diseases Network, NIH and Ambry Genetics).

NM_001967.4(EIF4A2):c.1084G>A (p.Gly362Ser)

Gene: EIF4A2 (eukaryotic translation initiation factor 4A2; plus strand). Cytogenetic location: 3q27.3.
Variant type: single nucleotide variant.
Coding change: c.1084G>A on transcript NM_001967.4 (MANE Select); coding-DNA position 1084, G replaced by A.
Protein change: p.Gly362Ser; replaces glycine 362 with serine.
Molecular consequence: missense variant.
Genome position (GRCh38, 1-based): chr3:186,789,129, G>A. VCF-style: chr3-186789129-G-A. GRCh37 (hg19) VCF-style: chr3-186506918-G-A.
Other names: short protein forms G362S.
Identifiers: ClinVar variation 3507609 (VCV003507609.2).